The following is an entry in ClinVar:

NM_000540.3(RYR1):c.7646C>T (p.Ala2549Val)

Gene: RYR1 (ryanodine receptor 1; plus strand). Cytogenetic location: 19q13.2.
Variant type: single nucleotide variant.
Coding change: c.7646C>T on transcript NM_000540.3 (MANE Select); coding-DNA position 7646, C replaced by T.
Protein change: p.Ala2549Val; replaces alanine 2549 with valine.
Molecular consequence: missense variant.
Genome position (GRCh38, 1-based): chr19:38,502,538, C>T. VCF-style: chr19-38502538-C-T. GRCh37 (hg19) VCF-style: chr19-38993178-C-T.
Other names: c.7646C>T, p.Ala2549Val (NM_001042723.2); short protein forms A2549V.
Identifiers: ClinVar variation 3071850 (VCV003071850.4), dbSNP rs757261963, ClinGen allele CA069910.

ClinVar aggregate classification (germline): Uncertain significance. Review status: criteria provided, multiple submitters, no conflicts (2 of 4 stars). 4 submissions from 4 submitters: Uncertain significance (4). Last evaluated 2025-06-12.

Conditions:
Malignant hyperthermia, susceptibility to, 1 (MHS1). Also called: Anesthesia related hyperthermia; Malignant hyperpyrexia; Fulminating hyperpyrexia; Pharmacogenic myopathy; RYR1-Related Malignant Hyperthermia Susceptibility; Malignant hyperthermia suceptibility 1. Identifiers: Orphanet 423, MedGen C2930980, MONDO:0007783, OMIM 145600.
Inborn genetic diseases. Identifiers: MedGen C0950123, MeSH D030342.

Allele frequency attached by ClinVar (database versions not stated): TOPMed below 0.00001; ExAC 0.00001; gnomAD exomes 0.00001.
gnomAD v4.1: 16 of 1,610,008 alleles (0.00099%); highest among the groups gnomAD compares: African/African-American, 0.0013%; no homozygotes.

Submissions (4):

GeneDx
Classification: Uncertain significance. Last evaluated: 2025-06-12. Review status: criteria provided, single submitter. Criteria: GeneDx Variant Classification Process June 2021. Collection method: clinical testing. Allele origin: germline. Affected: yes.
Comment: Not observed at significant frequency in large population cohorts (gnomAD); In silico analysis supports that this missense variant has a deleterious effect on protein structure/function; Has not been previously published as pathogenic or benign to our knowledge

Ambry Genetics
Classification: Uncertain significance for Inborn genetic diseases. Last evaluated: 2024-01-29. Review status: criteria provided, single submitter. Criteria: Ambry Variant Classification Scheme 2023. Collection method: clinical testing. Allele origin: germline.

All of Us Research Program, National Institutes of Health
Classification: Uncertain significance for Malignant hyperthermia, susceptibility to, 1. Last evaluated: 2023-12-01. Review status: criteria provided, single submitter. Criteria: ACMG Guidelines, 2015. Collection method: clinical testing. Allele origin: germline. Inheritance: Autosomal dominant inheritance. Observed: 5 variant alleles, 5 heterozygotes.
Comment: This missense variant replaces alanine with valine at codon 2549 of the RYR1 protein. Computational prediction suggests that this variant may have deleterious impact on protein structure and function (internally defined REVEL score threshold >= 0.7, PMID: 27666373). To our knowledge, functional studies have not been reported for this variant. This variant has not been reported in individuals affected with RYR1-related disorders in the literature. This variant has been identified in 2/247792 chromosomes in the general population by the Genome Aggregation Database (gnomAD). The available evidence is insufficient to determine the role of this variant in disease conclusively. Therefore, this variant is classified as a Variant of Uncertain Significance.

This study involves interpretation of variants in research participants for the purpose of population health screening. Participant phenotype was not available at the time of variant classification. Additional details can be found in publication PMID: 35346344, PMCID: PMC8962531

Color Diagnostics, LLC DBA Color Health
Classification: Uncertain significance for Malignant hyperthermia, susceptibility to, 1. Last evaluated: 2023-11-15. Review status: criteria provided, single submitter. Criteria: ACMG Guidelines, 2015. Collection method: clinical testing. Allele origin: germline.
Comment: This missense variant replaces alanine with valine at codon 2549 of the RYR1 protein. Computational prediction suggests that this variant may have deleterious impact on protein structure and function. To our knowledge, functional studies have not been reported for this variant. This variant has not been reported in individuals affected with RYR1-related disorders in the literature. This variant has been identified in 2/247792 chromosomes in the general population by the Genome Aggregation Database (gnomAD). The available evidence is insufficient to determine the role of this variant in disease conclusively. Therefore, this variant is classified as a Variant of Uncertain Significance.